The following is an entry in ClinVar:

ClinVar aggregate classification (germline): Uncertain significance. Review status: criteria provided, single submitter (1 of 4 stars). 2 submissions from 2 submitters: Uncertain significance (1). 1 of the submissions does not count toward it. Last evaluated 2024-01-12.

Conditions:
Inborn genetic diseases. Identifiers: MedGen C0950123, MeSH D030342.
NSD1-related disorder. Also called: NSD1-related condition.

Allele frequency attached by ClinVar (database versions not stated): gnomAD 0.00001.
gnomAD v4.1: 1 of 1,614,122 alleles (0.000062%); highest among the groups gnomAD compares: Non-Finnish European, 0.000085%; no homozygotes.

Submissions (2):

Ambry Genetics
Classification: Uncertain significance for Inborn genetic diseases. Last evaluated: 2024-01-12. Review status: criteria provided, single submitter. Criteria: Ambry Variant Classification Scheme 2023. Collection method: clinical testing. Allele origin: germline.

PreventionGenetics, part of Exact Sciences
Classification: Uncertain significance for NSD1-related condition. Last evaluated: 2023-12-19. Review status: no assertion criteria provided. Collection method: clinical testing. Allele origin: germline. Not counted in ClinVar's aggregate classification.
Comment: The NSD1 c.5849T>C variant is predicted to result in the amino acid substitution p.Leu1950Ser. To our knowledge, this variant has not been reported in the literature or in a large population database, indicating this variant is rare. At this time, the clinical significance of this variant is uncertain due to the absence of conclusive functional and genetic evidence.

NM_022455.5(NSD1):c.5849T>C (p.Leu1950Ser)

Gene: NSD1 (nuclear receptor binding SET domain protein 1; plus strand). Cytogenetic location: 5q35.3.
Variant type: single nucleotide variant.
Coding change: c.5849T>C on transcript NM_022455.5 (MANE Select); coding-DNA position 5849, T replaced by C.
Protein change: p.Leu1950Ser; replaces leucine 1950 with serine.
Molecular consequence: missense variant.
Genome position (GRCh38, 1-based): chr5:177,280,791, T>C. VCF-style: chr5-177280791-T-C. GRCh37 (hg19) VCF-style: chr5-176707792-T-C.
Other names: c.4976T>C, p.Leu1659Ser (NM_001365684.2, NM_001409308.1, NM_001409309.1 and 1 more transcripts); c.5849T>C, p.Leu1950Ser (NM_001409301.1, NM_001409302.1, NM_001409303.1); c.5429T>C, p.Leu1810Ser (NM_001409304.1); c.5096T>C, p.Leu1699Ser (NM_001409305.1); c.5087T>C, p.Leu1696Ser (NM_001409306.1, NM_001409307.1); short protein forms L1659S, L1696S, L1699S, L1810S, L1950S.
Identifiers: ClinVar variation 3032300 (VCV003032300.3), dbSNP rs1581527915, ClinGen allele CA362313703.